The following is an entry in ClinVar:

NM_025114.4(CEP290):c.254dup (p.Asn85fs)

Gene: CEP290 (centrosomal protein 290; minus strand). Cytogenetic location: 12q21.32.
Variant type: Duplication.
Coding change: c.254dup on transcript NM_025114.4 (MANE Select); coding-DNA position 254, one base duplicated (A; older notation c.254dupA).
Protein change: p.Asn85fs; shifts the reading frame from asparagine 85.
Molecular consequence: frameshift variant.
Genome position (GRCh38, 1-based): chr12:88,139,188, T duplicated on the plus strand (A on the coding strand, the reverse complement: CEP290 is on the minus strand); the first of 4 consecutive T bases (chr12:88,139,188-88,139,191); duplicating any one gives the same sequence. VCF-style (leftmost placement, unchanged base first): chr12-88139187-A-AT. GRCh37 (hg19) VCF-style: chr12-88532964-A-AT.
Other names: NM_025114.4(CEP290):c.254dup; p.Asn85fs; c.254dupA (NM_025114.3); short protein forms N85fs.
Identifiers: ClinVar variation 1367157 (VCV001367157.10), dbSNP rs2138259100, ClinGen allele CA2573149044.

ClinVar aggregate classification (germline): Likely pathogenic. Review status: reviewed by expert panel (3 of 4 stars). 5 submissions from 5 submitters: Likely pathogenic (1). 4 of the submissions do not count toward it. Last evaluated 2026-07-20.

Conditions:
CEP290-related ciliopathy. Also called: CEP290 ciliopathy. Identifiers: MedGen CN305601, MONDO:0100451.
Senior-Loken syndrome 6 (SLSN6). Identifiers: Orphanet 3156, MedGen C1857779, MONDO:0012433, OMIM 610189.
Joubert syndrome 5 (JBTS5). Identifiers: Orphanet 2318, MedGen C1857780, MONDO:0012432, OMIM 610188.
CEP290-related disorder. Also called: CEP290-related condition; CEP290-related disorders. Identifiers: MedGen CN239314.
Joubert syndrome. Also called: Familial aplasia of the vermis; JOUBERT-BOLTSHAUSER SYNDROME. Identifiers: Orphanet 475, MedGen C5979921, MONDO:0018772.
Nephronophthisis. Also called: Juvenile Nephronophthisis. Identifiers: Orphanet 655, MedGen C0687120, MONDO:0019005, HP:0000090.
Meckel-Gruber syndrome. Also called: Dysencephalia splachnocystica; GRUBER SYNDROME; DYSENCEPHALIA SPLANCHNOCYSTICA. Identifiers: Orphanet 564, MedGen C0265215, MONDO:0018921.

Submissions (5):

ClinGen Leber Congenital Amaurosis/early Onset Retinal Dystrophy Variant Curation Expert Panel, ClinGen
Classification: Likely pathogenic for CEP290-related ciliopathy. Last evaluated: 2026-07-20. Review status: reviewed by expert panel. Criteria: ClinGen LCAeoRD ACMG Specifications CEP290 V1.0.0. Collection method: curation. Allele origin: germline. Inheritance: Autosomal recessive inheritance.
Comment: NM_025114.4(CEP290):c.254dup (p.Asn85LysfsTer6) is a frameshift variant that introduces a premature stop codon into exon 5 of 54 and is predicted to lead to nonsense-mediated decay in a gene in which loss-of-function is an established mechanism of disease (PVS1). This variant is present in gnomAD v4.1.0 at a total allele frequency of 0.000001760, with 2 alleles / 1,136,682 total alleles, which is lower than the ClinGen LCA/eoRD VCEP PM2_Supporting threshold of <0.0006 (PM2_Supporting). This variant has been reported in at least 1 proband with early-onset severe retinal dystrophy in the compound heterozygous state with the NM_025114.4(CEP290):c.223A>G (p.Lys75Glu) variant suspected in trans (VCEP member-provided data). However, the proband was not counted for PM3 in order to avoid circularity. The variant has also been reported in a proband with rod-cone dystrophy in the heterozygous state without a second variant identified in trans (PMID: 35764379). In summary, this variant meets the criteria to be classified as Likely Pathogenic for CEP290-related ciliopathy based on the ACMG/AMP criteria applied, as specified by the ClinGen LCA/eoRD VCEP: PVS1 and PM2_Supporting. (LCA/eoRD VCEP Specifications for CEP290 Version 1.0.0)

PreventionGenetics, part of Exact Sciences
Classification: Likely pathogenic for CEP290-related condition. Last evaluated: 2024-10-16. Review status: criteria provided, single submitter. Criteria: ACMG Guidelines, 2015. Collection method: clinical testing. Allele origin: germline. Not counted in ClinVar's aggregate classification.
Comment: The CEP290 c.254dupA variant is predicted to result in a frameshift and premature protein termination (p.Asn85Lysfs*6). To our knowledge, this variant has not been reported in the literature or in a large population database (gnomAD), indicating this variant is rare. Frameshift variants in CEP290 are expected to be pathogenic. This variant is interpreted as likely pathogenic.

Department of Pathology and Laboratory Medicine, Sinai Health System
Classification: Likely pathogenic for Senior-Loken syndrome 6; Joubert syndrome 5. Last evaluated: 2023-01-10. Review status: criteria provided, single submitter. Criteria: ACMG Guidelines, 2015. Collection method: research. Allele origin: germline. Not counted in ClinVar's aggregate classification.

Labcorp Genetics (formerly Invitae), Labcorp
Classification: Pathogenic for Joubert syndrome; Meckel-Gruber syndrome; Nephronophthisis. Last evaluated: 2022-06-13. Review status: criteria provided, single submitter. Criteria: Invitae Variant Classification Sherloc (09022015). Collection method: clinical testing. Allele origin: germline. Not counted in ClinVar's aggregate classification.
Comment: This sequence change creates a premature translational stop signal (p.Asn85Lysfs*6) in the CEP290 gene. It is expected to result in an absent or disrupted protein product. Loss-of-function variants in CEP290 are known to be pathogenic (PMID: 16909394, 17345604, 20690115). This variant is not present in population databases (gnomAD no frequency). This variant has not been reported in the literature in individuals affected with CEP290-related conditions. For these reasons, this variant has been classified as Pathogenic.

Blueprint Genetics
Classification: Likely pathogenic for CEP290-related disorders. Last evaluated: 2021-11-24. Review status: criteria provided, single submitter. Criteria: ACMG Guidelines, 2015. Collection method: clinical testing. Allele origin: germline. Affected: yes. Observed: 2 variant alleles. Not counted in ClinVar's aggregate classification.

Literature cited by the submitters: PubMed 16909394 (cited by Labcorp Genetics (formerly Invitae), Labcorp); PubMed 17345604 (cited by Labcorp Genetics (formerly Invitae), Labcorp); PubMed 20690115 (cited by Labcorp Genetics (formerly Invitae), Labcorp).